The following is an entry in ClinVar:

NM_001868.4(CPA1):c.290T>C (p.Leu97Pro)

Gene: CPA1 (carboxypeptidase A1; plus strand). Cytogenetic location: 7q32.2.
Variant type: single nucleotide variant.
Coding change: c.290T>C on transcript NM_001868.4 (MANE Select); coding-DNA position 290, T replaced by C.
Protein change: p.Leu97Pro; replaces leucine 97 with proline.
Molecular consequence: missense variant.
Genome position (GRCh38, 1-based): chr7:130,381,772, T>C. VCF-style: chr7-130381772-T-C. GRCh37 (hg19) VCF-style: chr7-130021613-T-C.
Other names: short protein forms L97P.
Identifiers: ClinVar variation 1797573 (VCV001797573.3), dbSNP rs934401285, ClinGen allele CA369280166.

ClinVar aggregate classification (germline): Uncertain significance (1 of 4 stars; one submission).

Conditions:
Hereditary pancreatitis (PCTT). Also called: Hereditary chronic pancreatitis; PRSS1-Related Hereditary Pancreatitis. Identifiers: Orphanet 676, MedGen C0238339, MONDO:0008185, OMIM 167800.

Allele frequency attached by ClinVar (database versions not stated): TOPMed below 0.00001.
gnomAD v4.1: 1 of 1,614,192 alleles (0.000062%); highest among the groups gnomAD compares: Non-Finnish European, 0.000085%; no homozygotes.

Submission:

Ambry Genetics
Classification: Uncertain significance for Hereditary pancreatitis. Last evaluated: 2025-11-07. Review status: criteria provided, single submitter. Criteria: Ambry Variant Classification Scheme 2023. Collection method: clinical testing. Allele origin: germline.
Comment: The p.L97P variant (also known as c.290T>C), located in coding exon 3 of the CPA1 gene, results from a T to C substitution at nucleotide position 290. The leucine at codon 97 is replaced by proline, an amino acid with similar properties. This amino acid position is conserved. In addition, this alteration is predicted to be deleterious by in silico analysis. Since supporting evidence is limited at this time, the clinical significance of this alteration remains unclear.